The following is an entry in ClinVar:

NM_000368.5(TSC1):c.623G>A (p.Ser208Asn)

Gene: TSC1 (TSC complex subunit 1; minus strand). Cytogenetic location: 9q34.13.
Variant type: single nucleotide variant.
Coding change: c.623G>A on transcript NM_000368.5 (MANE Select); coding-DNA position 623, G replaced by A.
Protein change: p.Ser208Asn; replaces serine 208 with asparagine.
Molecular consequence: missense variant. On other transcripts: 5 prime UTR variant (5), non-coding transcript variant (5).
Genome position (GRCh38, 1-based): chr9:132,921,859, C>T on the plus strand (G>A on the coding strand, the complement: TSC1 is on the minus strand). VCF-style: chr9-132921859-C-T. GRCh37 (hg19) VCF-style: chr9-135797246-C-T.
Other names: c.623G>A, p.Ser208Asn (NM_001162426.2, NM_001406592.1, NM_001406593.1 and 16 more transcripts); c.470G>A, p.Ser157Asn (NM_001162427.2, NM_001406610.1, NM_001406611.1 and 2 more transcripts); c.260G>A, p.Ser87Asn (NM_001362177.2, NM_001406618.1, NM_001406619.1 and 10 more transcripts); c.-255G>A (NM_001406626.1, NM_001406627.1, NM_001406628.1); c.-397G>A (NM_001406629.1); c.-471G>A (NM_001406630.1); short protein forms S208N, S157N, S87N.
Identifiers: ClinVar variation 2496824 (VCV002496824.3), dbSNP rs1264782606, ClinGen allele CA375372411.

ClinVar aggregate classification (germline): Uncertain significance. Review status: criteria provided, multiple submitters, no conflicts (2 of 4 stars). 2 submissions from 2 submitters: Uncertain significance (2). Last evaluated 2025-02-17.

Conditions:
Hereditary cancer-predisposing syndrome. Also called: Tumor predisposition; Hereditary neoplastic syndrome; Neoplastic Syndromes, Hereditary; Hereditary Cancer Syndrome. Identifiers: Orphanet 140162, MedGen C0027672, MeSH D009386, MONDO:0015356.
Tuberous sclerosis 1 (TSC1). Identifiers: Orphanet 805, MedGen C1854465, MONDO:0008612, OMIM 191100.

Allele frequency attached by ClinVar (database versions not stated): TOPMed below 0.00001; gnomAD 0.00001.
gnomAD v4.1: 1 of 1,614,036 alleles (0.000062%); highest among the groups gnomAD compares: Non-Finnish European, 0.000085%; no homozygotes.

Submissions (2):

Labcorp Genetics (formerly Invitae), Labcorp
Classification: Uncertain significance for Tuberous sclerosis 1. Last evaluated: 2025-02-17. Review status: criteria provided, single submitter. Criteria: Invitae Variant Classification Sherloc (09022015). Collection method: clinical testing. Allele origin: germline.
Comment: This sequence change replaces serine, which is neutral and polar, with asparagine, which is neutral and polar, at codon 208 of the TSC1 protein (p.Ser208Asn). This variant is not present in population databases (gnomAD no frequency). This variant has not been reported in the literature in individuals affected with TSC1-related conditions. ClinVar contains an entry for this variant (Variation ID: 2496824). Invitae Evidence Modeling of protein sequence and biophysical properties (such as structural, functional, and spatial information, amino acid conservation, physicochemical variation, residue mobility, and thermodynamic stability) indicates that this missense variant is not expected to disrupt TSC1 protein function with a negative predictive value of 95%. In summary, the available evidence is currently insufficient to determine the role of this variant in disease. Therefore, it has been classified as a Variant of Uncertain Significance.

Ambry Genetics
Classification: Uncertain significance for Hereditary cancer-predisposing syndrome. Last evaluated: 2023-02-19. Review status: criteria provided, single submitter. Criteria: Ambry Variant Classification Scheme 2023. Collection method: clinical testing. Allele origin: germline.
Comment: The p.S208N variant (also known as c.623G>A), located in coding exon 5 of the TSC1 gene, results from a G to A substitution at nucleotide position 623. The serine at codon 208 is replaced by asparagine, an amino acid with highly similar properties. This amino acid position is conserved. In addition, the in silico prediction for this alteration is inconclusive. Since supporting evidence is limited at this time, the clinical significance of this alteration remains unclear.